The following is an entry in ClinVar:

NM_000283.4(PDE6B):c.2189G>A (p.Ser730Asn)

Gene: PDE6B (phosphodiesterase 6B; plus strand). Cytogenetic location: 4p16.3.
Variant type: single nucleotide variant.
Coding change: c.2189G>A on transcript NM_000283.4 (MANE Select); coding-DNA position 2189, G replaced by A.
Protein change: p.Ser730Asn; replaces serine 730 with asparagine.
Molecular consequence: missense variant.
Genome position (GRCh38, 1-based): chr4:664,940, G>A. VCF-style: chr4-664940-G-A. GRCh37 (hg19) VCF-style: chr4-658729-G-A.
Other names: c.2189G>A, p.Ser730Asn (NM_001145291.2); c.1352G>A, p.Ser451Asn (NM_001145292.2, NM_001350154.3, NM_001379246.1 and 1 more transcripts); c.1034G>A, p.Ser345Asn (NM_001350155.3); short protein forms S345N, S451N, S730N.
Identifiers: ClinVar variation 1715399 (VCV001715399.5), dbSNP rs2474290102, ClinGen allele CA355919806.

ClinVar aggregate classification (germline): Uncertain significance (1 of 4 stars; one submission).

Submission:

Labcorp Genetics (formerly Invitae), Labcorp
Classification: Uncertain significance. Last evaluated: 2022-08-06. Review status: criteria provided, single submitter. Criteria: Invitae Variant Classification Sherloc (09022015). Collection method: clinical testing. Allele origin: germline.
Comment: In summary, the available evidence is currently insufficient to determine the role of this variant in disease. Therefore, it has been classified as a Variant of Uncertain Significance. Algorithms developed to predict the effect of missense changes on protein structure and function are either unavailable or do not agree on the potential impact of this missense change (SIFT: "Deleterious"; PolyPhen-2: "Probably Damaging"; Align-GVGD: "Class C0"). This variant has not been reported in the literature in individuals affected with PDE6B-related conditions. This variant is not present in population databases (gnomAD no frequency). This sequence change replaces serine, which is neutral and polar, with asparagine, which is neutral and polar, at codon 730 of the PDE6B protein (p.Ser730Asn).